The following is an entry in ClinVar:

ClinVar aggregate classification (germline): Uncertain significance (1 of 4 stars; one submission).

gnomAD v4.1: 193 of 1,517,930 alleles (0.013%); highest among the groups gnomAD compares: Non-Finnish European, 0.0092%; no homozygotes.

Submission:

Dasa
Classification: Uncertain significance. Last evaluated: 2025-12-15. Review status: criteria provided, single submitter. Criteria: DASA Assertion Criteria. Collection method: clinical testing. Allele origin: germline.
Comment: NM_016148.5(SHANK1):c.4543G>A (p.Gly1515Arg) is a missense variant that results in the substitution of glycine with arginine. This variant is rare in population databases. Computational prediction algorithms are consistent with a benign effect. The currently available literature and clinical evidence are not sufficient to establish a definitive association between this variant and the reported condition. Therefore, this variant is classified as a variant of uncertain significance.

NM_016148.5(SHANK1):c.4543G>A (p.Gly1515Arg)

Gene: SHANK1 (SH3 and multiple ankyrin repeat domains 1; minus strand). Cytogenetic location: 19q13.33.
Variant type: single nucleotide variant.
Coding change: c.4543G>A on transcript NM_016148.5 (MANE Select); coding-DNA position 4543, G replaced by A.
Protein change: p.Gly1515Arg; replaces glycine 1515 with arginine.
Molecular consequence: missense variant.
Genome position (GRCh38, 1-based): chr19:50,667,417, C>T on the plus strand (G>A on the coding strand, the complement: SHANK1 is on the minus strand). VCF-style: chr19-50667417-C-T. GRCh37 (hg19) VCF-style: chr19-51170674-C-T.
Other names: short protein forms G1515R.
Identifiers: ClinVar variation 4886108 (VCV004886108.2).